The following is an entry in ClinVar:

ClinVar aggregate classification (germline): Uncertain significance. Review status: criteria provided, multiple submitters, no conflicts (2 of 4 stars). 2 submissions from 2 submitters: Uncertain significance (2). Last evaluated 2024-11-08.

Conditions:
Autosomal recessive limb-girdle muscular dystrophy type 2J (LGMDR10). Also called: Limb-girdle muscular dystrophy, type 2J; MUSCULAR DYSTROPHY, LIMB-GIRDLE, AUTOSOMAL RECESSIVE 10. Identifiers: Orphanet 140922, MedGen C1837342, MONDO:0012127, OMIM 608807.
Dilated cardiomyopathy 1G (CMD1G). Identifiers: Orphanet 154, MedGen C1858763, MONDO:0011400, OMIM 604145.

Submissions (2):

GeneDx
Classification: Uncertain significance. Last evaluated: 2024-11-08. Review status: criteria provided, single submitter. Criteria: GeneDx Variant Classification Process June 2021. Collection method: clinical testing. Allele origin: germline. Affected: yes.
Comment: Not observed at significant frequency in large population cohorts (gnomAD); In silico analysis supports a deleterious effect on splicing; Has not been previously published as pathogenic or benign to our knowledge

Labcorp Genetics (formerly Invitae), Labcorp
Classification: Uncertain significance for Dilated cardiomyopathy 1G; Autosomal recessive limb-girdle muscular dystrophy type 2J. Last evaluated: 2024-05-16. Review status: criteria provided, single submitter. Criteria: Invitae Variant Classification Sherloc (09022015). Collection method: clinical testing. Allele origin: germline.
Comment: This sequence change falls in intron 223 of the TTN gene. It does not directly change the encoded amino acid sequence of the TTN protein. It affects a nucleotide within the consensus splice site. This variant is present in population databases (no rsID available, gnomAD 0.007%). This variant has not been reported in the literature in individuals affected with TTN-related conditions. Variants that disrupt the consensus splice site are a relatively common cause of aberrant splicing (PMID: 17576681, 9536098). Algorithms developed to predict the effect of sequence changes on RNA splicing suggest that this variant may disrupt the consensus splice site. This variant is located in the I band of TTN (PMID: 25589632). Non-truncating variants in this region may be clinically relevant, but have not been definitively shown to cause cardiomyopathy or neuromuscular disease (PMID: 27493940, 32778822). In summary, the available evidence is currently insufficient to determine the role of this variant in disease. Therefore, it has been classified as a Variant of Uncertain Significance.

Literature cited by the submitters: PubMed 17576681 (cited by Labcorp Genetics (formerly Invitae), Labcorp); PubMed 9536098 (cited by Labcorp Genetics (formerly Invitae), Labcorp); PubMed 25589632 (cited by Labcorp Genetics (formerly Invitae), Labcorp); PubMed 27493940 (cited by Labcorp Genetics (formerly Invitae), Labcorp); PubMed 32778822 (cited by Labcorp Genetics (formerly Invitae), Labcorp).

NM_001267550.2(TTN):c.40876+2dup

Gene: TTN (titin; minus strand). Cytogenetic location: 2q31.2.
Variant type: Duplication.
Coding change: c.40876+2dup on transcript NM_001267550.2 (MANE Select); the canonical splice donor site of the intron after coding-DNA position 40876, one base duplicated (T; older notation c.40876+2dupT).
Molecular consequence: splice donor variant.
Genome position (GRCh38, 1-based): chr2:178,639,697, A duplicated on the plus strand (T on the coding strand, the reverse complement: TTN is on the minus strand). VCF-style (leftmost placement, unchanged base first): chr2-178639696-T-TA. GRCh37 (hg19) VCF-style: chr2-179504423-T-TA.
Other names: c.13681+2dup (NM_003319.4); c.14257+2dup (NM_133437.4); c.14056+2dup (NM_133432.3); c.33172+2dup (NM_133378.4); c.35953+2dup (NM_001256850.1).
Identifiers: ClinVar variation 3763418 (VCV003763418.3).
Genomic context (GRCh38, chr2:178,639,696, plus strand): 5'-GTGTGAATACTTTTATTAAGTCACCAAAACAAACTAGCAAAAAGAAAGCTACAGGATAAA[T>TA]ACCTGCTTTCTTTCCAACCACTGGCACTGTTACTGGGGCAGCGATGGGGGTTGGTTCAGG-3'